The following is an entry in ClinVar:

ClinVar aggregate classification (germline): Likely pathogenic (1 of 4 stars; one submission).

Conditions:
Cystinuria (CSNU). Also called: Cystinuria, non-type I; CYSTINURIA, TYPE I; CYSTINURIA, TYPE II; CYSTINURIA, TYPE III. Identifiers: Orphanet 214, MedGen C0010691, MONDO:0009067, OMIM 220100, HP:0003131.

Submission:

3billion
Classification: Likely pathogenic for Cystinuria. Last evaluated: 2026-01-20. Review status: criteria provided, single submitter. Criteria: ACMG Guidelines, 2015. Collection method: clinical testing. Allele origin: germline. Affected: yes.
Comment: The variant is not observed in the gnomAD v4.1.0 dataset. Predicted Consequence/Location: Canonical splice site: predicted to alter splicing and result in a loss or disruption of normal protein function. Multiple pathogenic loss-of-function variants are reported downstream of the variant. In silico tools predict the variant to alter splicing and produce an abnormal transcript [SpliceAI: 0.97 (spliceogenicity >=0.2, non-spliceogenicity <0.1)]. Therefore, this variant is classified as Likely pathogenic according to the recommendation of ACMG/AMP guideline.

NM_014270.5(SLC7A9):c.977+2T>A

Gene: SLC7A9 (solute carrier family 7 member 9; minus strand). Cytogenetic location: 19q13.11.
Variant type: single nucleotide variant.
Coding change: c.977+2T>A on transcript NM_014270.5 (MANE Select); the canonical splice donor site of the intron after coding-DNA position 977, T replaced by A.
Molecular consequence: splice donor variant.
Genome position (GRCh38, 1-based): chr19:32,858,438, A>T on the plus strand (T>A on the coding strand, the complement: SLC7A9 is on the minus strand). VCF-style: chr19-32858438-A-T. GRCh37 (hg19) VCF-style: chr19-33349344-A-T.
Other names: c.977+2T>A (NM_001126335.2, NM_001243036.2).
Identifiers: ClinVar variation 4855135 (VCV004855135.2).
Genomic context (GRCh38, chr19:32,858,438, plus strand): 5'-CGGGGGTGATATTGCTTTCGCCGCCCCTGTCCACCCTGGGAGTGACGGTGGGGGTCCCCT[A>T]CCTGCCCGCTGTGAAGCAGGTCCCGTTAGCAGCACCGATGGTTGAAAATGCCACAAAAAG-3'